The following is an entry in ClinVar:

ClinVar aggregate classification (germline): Uncertain significance (1 of 4 stars; one submission).

Allele frequency attached by ClinVar (database versions not stated): TOPMed below 0.00001; gnomAD 0.00001.
gnomAD v4.1: 1 of 1,612,834 alleles (0.000062%); highest among the groups gnomAD compares: African/African-American, 0.0013%; no homozygotes.

Submission:

GeneDx
Classification: Uncertain significance. Last evaluated: 2021-08-01. Review status: criteria provided, single submitter. Criteria: GeneDx Variant Classification Process June 2021. Collection method: clinical testing. Allele origin: germline. Affected: yes.
Comment: Not observed in large population cohorts (Lek et al., 2016); In silico analysis, which includes protein predictors and evolutionary conservation, supports a deleterious effect; Has not been previously published as pathogenic or benign to our knowledge

NM_001348323.3(TRIP12):c.2318A>G (p.Tyr773Cys)

Gene: TRIP12 (thyroid hormone receptor interactor 12; minus strand). Cytogenetic location: 2q36.3.
Variant type: single nucleotide variant.
Coding change: c.2318A>G on transcript NM_001348323.3 (MANE Select); coding-DNA position 2318, A replaced by G.
Protein change: p.Tyr773Cys; replaces tyrosine 773 with cysteine.
Molecular consequence: missense variant.
Genome position (GRCh38, 1-based): chr2:229,808,273, T>C on the plus strand (A>G on the coding strand, the complement: TRIP12 is on the minus strand). VCF-style: chr2-229808273-T-C. GRCh37 (hg19) VCF-style: chr2-230672989-T-C.
Other names: c.2318A>G, p.Tyr773Cys (NM_001284214.2, NM_001348315.2, NM_001348319.1 and 11 more transcripts); c.2192A>G, p.Tyr731Cys (NM_001284215.2, NM_001348316.2, NM_001348317.1 and 2 more transcripts); c.1283A>G, p.Tyr428Cys (NM_001284216.2); c.2231A>G, p.Tyr744Cys (NM_001348332.1); c.2174A>G, p.Tyr725Cys (NM_004238.3); short protein forms Y428C, Y725C, Y731C, Y744C, Y773C.
Identifiers: ClinVar variation 1302194 (VCV001302194.2), dbSNP rs1212268265, ClinGen allele CA350917536.